The following is an entry in ClinVar:

ClinVar aggregate classification (germline): Uncertain significance (1 of 4 stars; one submission).

Conditions:
Progressive external ophthalmoplegia with mitochondrial DNA deletions, autosomal dominant 4. Also called: PROGRESSIVE EXTERNAL OPHTHALMOPLEGIA, AUTOSOMAL DOMINANT 4. Identifiers: MedGen C1864668, MONDO:0012415, OMIM 610131.

Submission:

Baylor Genetics
Classification: Uncertain significance for Progressive external ophthalmoplegia with mitochondrial DNA deletions, autosomal dominant 4. Last evaluated: 2018-01-29. Review status: criteria provided, single submitter. Criteria: ACMG Guidelines, 2015. Collection method: clinical testing. Allele origin: maternal. Affected: yes.
Comment: This variant was determined to be of uncertain significance according to ACMG Guidelines, 2015 [PMID:25741868].

NM_007215.4(POLG2):c.749A>G (p.Gln250Arg)

Genes: POLG2 (DNA polymerase gamma 2, accessory subunit; minus strand), MILR1 (mast cell immunoglobulin like receptor 1; plus strand). Cytogenetic location: 17q23.3.
Variant type: single nucleotide variant.
Coding change: c.749A>G on transcript NM_007215.4 (MANE Select); coding-DNA position 749, A replaced by G.
Protein change: p.Gln250Arg; replaces glutamine 250 with arginine.
Molecular consequence: missense variant.
Genome position (GRCh38, 1-based): chr17:64,492,713, T>C on the plus strand (A>G on the coding strand, the complement: POLG2 is on the minus strand). VCF-style: chr17-64492713-T-C. GRCh37 (hg19) VCF-style: chr17-62488830-T-C.
Other names: short protein forms Q250R.
Identifiers: ClinVar variation 1033197 (VCV001033197.1), dbSNP rs782071363, ClinGen allele CA400639017.